The following is an entry in ClinVar:

ClinVar aggregate classification (germline): Uncertain significance (1 of 4 stars; one submission).

Conditions:
Catecholaminergic polymorphic ventricular tachycardia 1. Also called: RYR2-Related Catecholaminergic Polymorphic Ventricular Tachycardia; VENTRICULAR TACHYCARDIA, STRESS-INDUCED POLYMORPHIC 1; VENTRICULAR TACHYCARDIA, CATECHOLAMINERGIC POLYMORPHIC, 1, WITH OR WITHOUT ATRIAL DYSFUNCTION AND/OR DILATED CARDIOMYOPATHY. Identifiers: Orphanet 3286, MedGen C1631597, MONDO:0011484, OMIM 604772.

Allele frequency attached by ClinVar (database versions not stated): gnomAD exomes below 0.00001.
gnomAD v4.1: 1 of 1,476,840 alleles (0.000068%); highest among the groups gnomAD compares: Admixed American, 0.0019%; no homozygotes.

Submission:

Labcorp Genetics (formerly Invitae), Labcorp
Classification: Uncertain significance for Catecholaminergic polymorphic ventricular tachycardia 1. Last evaluated: 2021-12-07. Review status: criteria provided, single submitter. Criteria: Invitae Variant Classification Sherloc (09022015). Collection method: clinical testing. Allele origin: germline.
Comment: This sequence change replaces glutamic acid, which is acidic and polar, with glutamine, which is neutral and polar, at codon 591 of the RYR2 protein (p.Glu591Gln). In summary, the available evidence is currently insufficient to determine the role of this variant in disease. Therefore, it has been classified as a Variant of Uncertain Significance. Advanced modeling of protein sequence and biophysical properties (such as structural, functional, and spatial information, amino acid conservation, physicochemical variation, residue mobility, and thermodynamic stability) performed at Invitae indicates that this missense variant is expected to disrupt RYR2 protein function. This variant has not been reported in the literature in individuals affected with RYR2-related conditions. The frequency data for this variant in the population databases is considered unreliable, as metrics indicate poor data quality at this position in the gnomAD database.

NM_001035.3(RYR2):c.1771G>C (p.Glu591Gln)

Gene: RYR2 (ryanodine receptor 2; plus strand). Cytogenetic location: 1q43.
Variant type: single nucleotide variant.
Coding change: c.1771G>C on transcript NM_001035.3 (MANE Select); coding-DNA position 1771, G replaced by C.
Protein change: p.Glu591Gln; replaces glutamic acid 591 with glutamine.
Molecular consequence: missense variant.
Genome position (GRCh38, 1-based): chr1:237,491,868, G>C. VCF-style: chr1-237491868-G-C. GRCh37 (hg19) VCF-style: chr1-237655168-G-C.
Other names: short protein forms E591Q.
Identifiers: ClinVar variation 2037057 (VCV002037057.4), dbSNP rs1422548841, ClinGen allele CA345388033.